The following is an entry in ClinVar:

ClinVar aggregate classification (germline): Pathogenic. Review status: reviewed by expert panel (3 of 4 stars). 5 submissions from 5 submitters: Pathogenic (1). 4 of the submissions do not count toward it. Last evaluated 2017-12-15.

Conditions:
Hereditary breast ovarian cancer syndrome. Also called: Hereditary breast and ovarian cancer syndrome; Hereditary breast and ovarian cancer; Hereditary breast and ovarian cancer syndrome (HBOC); Breast and ovarian cancer; Hereditary breast and/or ovarian cancer syndrome; BRCA1- and BRCA2-Associated Hereditary Breast and Ovarian Cancer. Identifiers: Orphanet 145, MedGen C0677776, MeSH D061325, MONDO:0003582. Disease mechanism: loss of function.
Hereditary cancer-predisposing syndrome. Also called: Neoplastic Syndromes, Hereditary; Tumor predisposition; Hereditary neoplastic syndrome; Hereditary Cancer Syndrome. Identifiers: Orphanet 140162, MedGen C0027672, MeSH D009386, MONDO:0015356.
Breast-ovarian cancer, familial, susceptibility to, 2 (BROVCA2). Also called: BRCA2 Hereditary Breast and Ovarian Cancer. Identifiers: Orphanet 145, MedGen C2675520, MONDO:0012933, OMIM 612555. Disease mechanism: loss of function.

Submissions (5):

Evidence-based Network for the Interpretation of Germline Mutant Alleles (ENIGMA)
Classification: Pathogenic for Breast-ovarian cancer, familial, susceptibility to, 2. Last evaluated: 2017-12-15. Review status: reviewed by expert panel. Criteria: ENIGMA BRCA1/2 Classification Criteria (2017-06-29). Collection method: curation. Allele origin: germline. Study: ENIGMA.
Comment: Variant allele predicted to encode a truncated non-functional protein.

Labcorp Genetics (formerly Invitae), Labcorp
Classification: Pathogenic for Hereditary breast ovarian cancer syndrome. Last evaluated: 2026-01-16. Review status: criteria provided, single submitter. Criteria: Invitae Variant Classification Sherloc (09022015). Collection method: clinical testing. Allele origin: germline. Not counted in ClinVar's aggregate classification.
Comment: This sequence change creates a premature translational stop signal (p.Ile2209Metfs*13) in the BRCA2 gene. It is expected to result in an absent or disrupted protein product. Loss-of-function variants in BRCA2 are known to be pathogenic (PMID: 20104584). This variant is not present in population databases (gnomAD no frequency). This premature translational stop signal has been observed in individual(s) with personal and/or family history of breast and/or ovarian cancer (PMID: 20960228). This variant is also known as 6855del8. ClinVar contains an entry for this variant (Variation ID: 52136). Algorithms developed to predict the effect of sequence changes on RNA splicing suggest that this variant may create or strengthen a splice site. For these reasons, this variant has been classified as Pathogenic.

Ambry Genetics
Classification: Pathogenic for Hereditary cancer-predisposing syndrome. Last evaluated: 2024-06-04. Review status: criteria provided, single submitter. Criteria: Ambry Variant Classification Scheme 2023. Collection method: clinical testing. Allele origin: germline. Not counted in ClinVar's aggregate classification.
Comment: The c.6627_6634delAGAAGTTT pathogenic mutation, located in coding exon 10 of the BRCA2 gene, results from a deletion of 8 nucleotides at nucleotide positions 6627 to 6634, causing a translational frameshift with a predicted alternate stop codon (p.I2209Mfs*13). This alteration was identified in a cohort of high-risk breast and/or ovarian cancer families from Israel (Laitman Y et al. Breast Cancer Res Treat. 2011 Jun;127:489-95). In addition to the clinical data presented in the literature, this alteration is expected to result in loss of function by premature protein truncation or nonsense-mediated mRNA decay. As such, this alteration is interpreted as a disease-causing mutation.

GeneDx
Classification: Pathogenic. Last evaluated: 2021-12-22. Review status: criteria provided, single submitter. Criteria: GeneDx Variant Classification Process June 2021. Collection method: clinical testing. Allele origin: germline. Affected: yes. Not counted in ClinVar's aggregate classification.
Comment: Frameshift variant predicted to result in protein truncation or nonsense mediated decay in a gene for which loss-of-function is a known mechanism of disease; Identified in patients with personal or family history of breast/ovarian cancer (Laitman 2011); Truncating variants in this gene are considered pathogenic by a well-established clinical consortium and/or database; Not observed at significant frequency in large population cohorts (gnomAD); Also known as 6855_6862delAGAAGTTT and 6855del8; This variant is associated with the following publications: (PMID: 20960228)

Research Molecular Genetics Laboratory, Women's College Hospital, University of Toronto
Classification: Pathogenic for Hereditary breast ovarian cancer syndrome. Last evaluated: 2014-01-31. Review status: no assertion criteria provided. Collection method: research. Allele origin: germline. Affected: yes. Study: The Canadian Open Genetics Repository (COGR). Not counted in ClinVar's aggregate classification.

Literature cited by the submitters: PubMed 20104584 (cited by Labcorp Genetics (formerly Invitae), Labcorp); PubMed 20960228 (cited by Labcorp Genetics (formerly Invitae), Labcorp and Ambry Genetics); PubMed 29409476 (cited by Ambry Genetics).

NM_000059.4(BRCA2):c.6627_6634del (p.Ile2209fs)

Gene: BRCA2 (BRCA2 DNA repair associated; plus strand). Cytogenetic location: 13q13.1.
Variant type: Deletion.
Coding change: c.6627_6634del on transcript NM_000059.4 (MANE Select); coding-DNA positions 6627 to 6634, 8 bases deleted (AGAAGTTT; older notation c.6627_6634delAGAAGTTT).
Protein change: p.Ile2209fs; shifts the reading frame from isoleucine 2209.
Molecular consequence: frameshift variant.
Genome position (GRCh38, 1-based): chr13:32,340,982-32,340,989, AGAAGTTT deleted; deleting any 8 consecutive bases within chr13:32,340,981-32,340,989 gives the same sequence; the c. name uses the placement nearest the transcript's 3' end. VCF-style (leftmost placement, unchanged base first): chr13-32340980-ATAGAAGTT-A. GRCh37 (hg19) VCF-style: chr13-32915117-ATAGAAGTT-A.
Other names: c.6627_6634delAGAAGTTT (NM_000059.3); c.6627_6634del (NM_000059.3); short protein forms I2209fs.
Identifiers: ClinVar variation 52136 (VCV000052136.13), dbSNP rs397507870, ClinGen allele CA024226.